The following is an entry in ClinVar:

NM_025137.4(SPG11):c.6892A>G (p.Ile2298Val)

Gene: SPG11 (SPG11 vesicle trafficking associated, spatacsin; minus strand). Cytogenetic location: 15q21.1.
Variant type: single nucleotide variant.
Coding change: c.6892A>G on transcript NM_025137.4 (MANE Select); coding-DNA position 6892, A replaced by G.
Protein change: p.Ile2298Val; replaces isoleucine 2298 with valine.
Molecular consequence: missense variant.
Genome position (GRCh38, 1-based): chr15:44,565,961, T>C on the plus strand (A>G on the coding strand, the complement: SPG11 is on the minus strand). VCF-style: chr15-44565961-T-C. GRCh37 (hg19) VCF-style: chr15-44858159-T-C.
Other names: p.Ile2298Val; c.6553A>G, p.Ile2185Val (NM_001160227.2); short protein forms I2298V, I2185V.
Identifiers: ClinVar variation 413990 (VCV000413990.33), dbSNP rs147962000, ClinGen allele CA7533959.

ClinVar aggregate classification (germline): Benign/Likely benign. Review status: criteria provided, multiple submitters, no conflicts (2 of 4 stars). 10 submissions from 8 submitters: Benign (2); Likely benign (8). Last evaluated 2026-01-24.

Conditions:
SPG11-related disorder. Also called: SPG11-related condition.
Amyotrophic lateral sclerosis type 5 (ALS5). Also called: AMYOTROPHIC LATERAL SCLEROSIS 5, JUVENILE. Identifiers: Orphanet 300605, MedGen C1865864, MONDO:0011196, OMIM 602099.
Charcot-Marie-Tooth disease axonal type 2X. Also called: CHARCOT-MARIE-TOOTH DISEASE, AXONAL, AUTOSOMAL RECESSIVE, TYPE 2X; CHARCOT-MARIE-TOOTH NEUROPATHY, TYPE 2X. Identifiers: Orphanet 466775, MedGen C5569024, MONDO:0014726, OMIM 616668.
Hereditary spastic paraplegia. Also called: Familial spastic paraparesis. Identifiers: Orphanet 685, MedGen C0037773, MONDO:0019064. Disease mechanism: loss of function.
Hereditary spastic paraplegia 11. Also called: Nakamura Osame syndrome; Autosomal recessive hereditary spastic paraplegia, mental impairment, and thin corpus callosum; SPASTIC PARAPLEGIA, AUTOSOMAL RECESSIVE, COMPLICATED, WITH THIN CORPUS CALLOSUM; SPASTIC PARAPLEGIA, AUTOSOMAL RECESSIVE, WITH MENTAL IMPAIRMENT AND THIN CORPUS CALLOSUM; Spastic paraplegia, mental retardation and thin corpus callosum; Spastic Paraplegia 11. Identifiers: Orphanet 2822, MedGen C1858479, MONDO:0011445, OMIM 604360.

Allele frequency attached by ClinVar (database versions not stated): gnomAD 0.00025 and 0.00038; gnomAD exomes 0.00048 and 0.00100; TOPMed 0.00066; ExAC 0.00104; 1000 Genomes Project 30x 0.00172; 1000 Genomes Project 0.00220.

Submissions (11):

Labcorp Genetics (formerly Invitae), Labcorp
Classification: Benign for Hereditary spastic paraplegia 11. Last evaluated: 2026-01-24. Review status: criteria provided, single submitter. Criteria: Invitae Variant Classification Sherloc (09022015). Collection method: clinical testing. Allele origin: germline.

PreventionGenetics, part of Exact Sciences
Classification: Benign for SPG11-related condition. Last evaluated: 2025-07-11. Review status: criteria provided, single submitter. Criteria: ACMG Guidelines, 2015. Collection method: clinical testing. Allele origin: germline.
Comment: This variant is classified as benign based on ACMG/AMP sequence variant interpretation guidelines (Richards et al. 2015 PMID: 25741868, with internal and published modifications).

Mayo Clinic Laboratories, Mayo Clinic
Classification: Likely benign. Last evaluated: 2025-05-06. Review status: criteria provided, single submitter. Criteria: ACMG Guidelines, 2015. Collection method: clinical testing. Allele origin: germline. Observed: 2 variant alleles.
Comment: BS1, BS2, BP4_moderate

CeGaT Center for Human Genetics Tuebingen
Classification: Likely benign. Last evaluated: 2025-05-01. Review status: criteria provided, single submitter. Criteria: CeGaT Center For Human Genetics Tuebingen Variant Classification Criteria Version 2. Collection method: clinical testing. Allele origin: germline. Affected: yes. Observed: 1 variant allele.
Comment: SPG11: BP4, BS1

Genome Diagnostics Laboratory, The Hospital for Sick Children
Classification: Likely benign for Hereditary spastic paraplegia. Last evaluated: 2018-08-01. Review status: criteria provided, single submitter. Criteria: ACMG Guidelines, 2015. Collection method: clinical testing. Allele origin: germline. Affected: yes.

Illumina Laboratory Services, Illumina
Classification: Likely benign for Hereditary spastic paraplegia 11. Last evaluated: 2018-01-12. Review status: criteria provided, single submitter. Criteria: ICSL Variant Classification Criteria 13 December 2019. Collection method: clinical testing. Allele origin: germline.
Comment: This variant was observed in the ICSL laboratory as part of a predisposition screen in an ostensibly healthy population. It had not been previously curated by ICSL or reported in the Human Gene Mutation Database (HGMD: prior to June 1st, 2018), and was therefore a candidate for classification through an automated scoring system. Utilizing variant allele frequency, disease prevalence and penetrance estimates, and inheritance mode, an automated score was calculated to assess if this variant is too frequent to cause the disease. Based on the score and internal cut-off values, a variant classified as likely benign is not then subjected to further curation. The score for this variant resulted in a classification of likely benign for this disease.

Athena Diagnostics
Classification: Likely benign. Last evaluated: 2017-11-03. Review status: criteria provided, single submitter. Criteria: Athena Diagnostics Criteria. Collection method: clinical testing. Allele origin: germline.

Genome-Nilou Lab
Classification: Likely benign for Amyotrophic lateral sclerosis type 5. Review status: criteria provided, single submitter. Criteria: ACMG Guidelines, 2015. Collection method: clinical testing. Allele origin: germline.

Genome-Nilou Lab
Classification: Likely benign for Charcot-Marie-Tooth disease axonal type 2X. Review status: criteria provided, single submitter. Criteria: ACMG Guidelines, 2015. Collection method: clinical testing. Allele origin: germline.

Genome-Nilou Lab
Classification: Likely benign for Hereditary spastic paraplegia 11. Review status: criteria provided, single submitter. Criteria: ACMG Guidelines, 2015. Collection method: clinical testing. Allele origin: germline.

Dr. Peter K. Rogan Lab, Western University
No classification provided (evidence only). Condition: Hepatocellular carcinoma. Review status: no classification provided. Collection method: in vitro. Allele origin: not applicable. Functional consequence: retained intron. Not counted in ClinVar's aggregate classification.

Literature cited by the submitters: PubMed 31182772 (cited by Mayo Clinic Laboratories, Mayo Clinic); PubMed 32166880 (cited by Mayo Clinic Laboratories, Mayo Clinic); PubMed 37952009 (cited by Mayo Clinic Laboratories, Mayo Clinic).